The following is an entry in ClinVar:

NM_032217.5(ANKRD17):c.1903del (p.Leu634_Met635insTer)

Gene: ANKRD17 (ankyrin repeat domain 17; minus strand). Cytogenetic location: 4q13.3.
Variant type: Deletion.
Coding change: c.1903del on transcript NM_032217.5 (MANE Select); coding-DNA position 1903, one base deleted (A; older notation c.1903delA).
Protein change: p.Leu634_Met635insTer.
Molecular consequence: nonsense.
Genome position (GRCh38, 1-based): chr4:73,144,799, T deleted on the plus strand (A on the coding strand, the reverse complement: ANKRD17 is on the minus strand); the first of 2 consecutive T bases (chr4:73,144,799-73,144,800); deleting either gives the same sequence. VCF-style (leftmost placement, unchanged base first): chr4-73144798-AT-A. GRCh37 (hg19) VCF-style: chr4-74010515-AT-A.
Other names: c.1564del, p.Leu521_Met522insTer (NM_001286771.3); c.1903del, p.Leu634_Met635insTer (NM_015574.2, NM_198889.3).
Identifiers: ClinVar variation 2835968 (VCV002835968.3), dbSNP rs2531070418, ClinGen allele CA2739270089.

ClinVar aggregate classification (germline): Pathogenic (1 of 4 stars; one submission).

Submission:

Labcorp Genetics (formerly Invitae), Labcorp
Classification: Pathogenic. Last evaluated: 2023-02-10. Review status: criteria provided, single submitter. Criteria: Invitae Variant Classification Sherloc (09022015). Collection method: clinical testing. Allele origin: germline.
Comment: This sequence change creates a premature translational stop signal (p.Met522*) in the ANKRD17 gene. It is expected to result in an absent or disrupted protein product. Loss-of-function variants in ANKRD17 are known to be pathogenic (PMID: 33909992). This variant is not present in population databases (gnomAD no frequency). This variant has not been reported in the literature in individuals affected with ANKRD17-related conditions. For these reasons, this variant has been classified as Pathogenic.

Literature cited by the submitters: PubMed 33909992.